The following is an entry in ClinVar:

ClinVar aggregate classification (germline): Uncertain significance (1 of 4 stars; one submission).

gnomAD v4.1: 6 of 1,611,736 alleles (0.00037%); highest among the groups gnomAD compares: South Asian, 0.0033%; no homozygotes.

Submission:

Labcorp Genetics (formerly Invitae), Labcorp
Classification: Uncertain significance. Last evaluated: 2025-01-08. Review status: criteria provided, single submitter. Criteria: Invitae Variant Classification Sherloc (09022015). Collection method: clinical testing. Allele origin: germline.
Comment: This sequence change replaces leucine, which is neutral and non-polar, with serine, which is neutral and polar, at codon 260 of the TBX15 protein (p.Leu260Ser). This variant is present in population databases (no rsID available, gnomAD 0.003%). This variant has not been reported in the literature in individuals affected with TBX15-related conditions. Invitae Evidence Modeling of protein sequence and biophysical properties (such as structural, functional, and spatial information, amino acid conservation, physicochemical variation, residue mobility, and thermodynamic stability) indicates that this missense variant is not expected to disrupt TBX15 protein function with a negative predictive value of 80%. In summary, the available evidence is currently insufficient to determine the role of this variant in disease. Therefore, it has been classified as a Variant of Uncertain Significance.

NM_001330677.2(TBX15):c.1097T>C (p.Leu366Ser)

Gene: TBX15 (T-box transcription factor 15; minus strand). Cytogenetic location: 1p12.
Variant type: single nucleotide variant.
Coding change: c.1097T>C on transcript NM_001330677.2 (MANE Select); coding-DNA position 1097, T replaced by C.
Protein change: p.Leu366Ser; replaces leucine 366 with serine.
Molecular consequence: missense variant.
Genome position (GRCh38, 1-based): chr1:118,885,444, A>G on the plus strand (T>C on the coding strand, the complement: TBX15 is on the minus strand). VCF-style: chr1-118885444-A-G. GRCh37 (hg19) VCF-style: chr1-119428067-A-G.
Other names: c.779T>C, p.Leu260Ser (NM_152380.3); short protein forms L260S, L366S.
Identifiers: ClinVar variation 3622561 (VCV003622561.2).